The following is an entry in ClinVar:

ClinVar aggregate classification (germline): Pathogenic (1 of 4 stars; one submission).

Conditions:
Glycine encephalopathy. Also called: Nonketotic hyperglycinemia; Non-ketotic hyperglycinemia. Identifiers: Orphanet 407, MedGen C0751748, MONDO:0011612, HP:0008288.

Submission:

Labcorp Genetics (formerly Invitae), Labcorp
Classification: Pathogenic for Glycine encephalopathy. Last evaluated: 2021-05-13. Review status: criteria provided, single submitter. Criteria: Invitae Variant Classification Sherloc (09022015). Collection method: clinical testing. Allele origin: germline.
Comment: For these reasons, this variant has been classified as Pathogenic. This variant has not been reported in the literature in individuals with GLDC-related conditions. This variant is not present in population databases (ExAC no frequency). This sequence change creates a premature translational stop signal (p.Asn98Thrfs*4) in the GLDC gene. It is expected to result in an absent or disrupted protein product. Loss-of-function variants in GLDC are known to be pathogenic (PMID: 16601880).

Literature cited by the submitters: PubMed 16601880.

NM_000170.3(GLDC):c.291del (p.Asn98fs)

Gene: GLDC (glycine decarboxylase; minus strand). Cytogenetic location: 9p24.1.
Variant type: Deletion.
Coding change: c.291del on transcript NM_000170.3 (MANE Select); coding-DNA position 291, one base deleted (C; older notation c.291delC).
Protein change: p.Asn98fs; shifts the reading frame from asparagine 98.
Molecular consequence: frameshift variant.
Genome position (GRCh38, 1-based): chr9:6,644,657, G deleted on the plus strand (C on the coding strand, the reverse complement: GLDC is on the minus strand); the first of 2 consecutive G bases (chr9:6,644,657-6,644,658); deleting either gives the same sequence. VCF-style (leftmost placement, unchanged base first): chr9-6644656-TG-T. GRCh37 (hg19) VCF-style: chr9-6644656-TG-T.
Other names: short protein forms N98fs.
Identifiers: ClinVar variation 1360662 (VCV001360662.6), dbSNP rs2130029354, ClinGen allele CA2573144471.